The following is an entry in ClinVar:

ClinVar aggregate classification (germline): Uncertain significance (0 of 4 stars; one submission).

Conditions:
USP7-related disorder. Also called: USP7-related condition.

Submission:

PreventionGenetics, part of Exact Sciences
Classification: Uncertain significance for USP7-related condition. Last evaluated: 2024-06-26. Review status: no assertion criteria provided. Collection method: clinical testing. Allele origin: germline.
Comment: The USP7 c.2546C>T variant is predicted to result in the amino acid substitution p.Pro849Leu. To our knowledge, this variant has not been reported in the literature or in a large population database, indicating this variant is rare. At this time, the clinical significance of this variant is uncertain due to the absence of conclusive functional and genetic evidence.

NM_003470.3(USP7):c.2546C>T (p.Pro849Leu)

Gene: USP7 (ubiquitin specific peptidase 7; minus strand). Cytogenetic location: 16p13.2.
Variant type: single nucleotide variant.
Coding change: c.2546C>T on transcript NM_003470.3 (MANE Select); coding-DNA position 2546, C replaced by T.
Protein change: p.Pro849Leu; replaces proline 849 with leucine.
Molecular consequence: missense variant. On other transcripts: non-coding transcript variant (1).
Genome position (GRCh38, 1-based): chr16:8,898,625, G>A on the plus strand (C>T on the coding strand, the complement: USP7 is on the minus strand). VCF-style: chr16-8898625-G-A. GRCh37 (hg19) VCF-style: chr16-8992482-G-A.
Other names: c.2498C>T, p.Pro833Leu (NM_001286457.2); c.2249C>T, p.Pro750Leu (NM_001286458.2); c.2372C>T, p.Pro791Leu (NM_001321858.2); short protein forms P750L, P791L, P833L, P849L.
Identifiers: ClinVar variation 3345107 (VCV003345107.1).